The following is an entry in ClinVar:

ClinVar aggregate classification (germline): Uncertain significance. Review status: criteria provided, multiple submitters, no conflicts (2 of 4 stars). 3 submissions from 3 submitters: Uncertain significance (3). Last evaluated 2025-08-26.

Conditions:
Episodic ataxia type 2 (EA2). Also called: ATAXIA, EPISODIC, WITH NYSTAGMUS; ATAXIA, FAMILIAL PAROXYSMAL; CEREBELLAR ATAXIA, PAROXYSMAL, ACETAZOLAMIDE-RESPONSIVE; CEREBELLOPATHY, HEREDITARY PAROXYSMAL; ACETAZOLAMIDE-RESPONSIVE HEREDITARY PAROXYSMAL CEREBELLAR ATAXIA; EPISODIC ATAXIA, NYSTAGMUS-ASSOCIATED. Identifiers: Orphanet 97, MedGen C1720416, MONDO:0007163, OMIM 108500.
Developmental and epileptic encephalopathy, 42 (DEE42A). Also called: Epileptic encephalopathy, early infantile, 42; DEVELOPMENTAL AND EPILEPTIC ENCEPHALOPATHY 42A; EPILEPTIC ENCEPHALOPATHY, EARLY INFANTILE, 42A. Identifiers: MedGen C4310716, MONDO:0014917, OMIM 617106.

Allele frequency attached by ClinVar (database versions not stated): gnomAD 0.00001 and 0.00002; TOPMed 0.00001; ExAC 0.00004; 1000 Genomes Project 30x 0.00031; 1000 Genomes Project 0.00040.
gnomAD v4.1: 5 of 1,553,474 alleles (0.00032%); highest among the groups gnomAD compares: African/African-American, 0.007%; no homozygotes.

Submissions (3):

GeneDx
Classification: Uncertain significance. Last evaluated: 2025-08-26. Review status: criteria provided, single submitter. Criteria: GeneDx Variant Classification Process June 2021. Collection method: clinical testing. Allele origin: germline. Affected: yes.
Comment: Has not been previously published as pathogenic or benign to our knowledge; In silico analysis suggests that this missense variant does not alter protein structure/function; Not observed at significant frequency in large population cohorts (gnomAD)

Labcorp Genetics (formerly Invitae), Labcorp
Classification: Uncertain significance for Developmental and epileptic encephalopathy, 42; Episodic ataxia type 2. Last evaluated: 2023-02-06. Review status: criteria provided, single submitter. Criteria: Invitae Variant Classification Sherloc (09022015). Collection method: clinical testing. Allele origin: germline.
Comment: ClinVar contains an entry for this variant (Variation ID: 446912). In summary, the available evidence is currently insufficient to determine the role of this variant in disease. Therefore, it has been classified as a Variant of Uncertain Significance. Advanced modeling of protein sequence and biophysical properties (such as structural, functional, and spatial information, amino acid conservation, physicochemical variation, residue mobility, and thermodynamic stability) performed at Invitae indicates that this missense variant is not expected to disrupt CACNA1A protein function. This variant has not been reported in the literature in individuals affected with CACNA1A-related conditions. The frequency data for this variant in the population databases is considered unreliable, as metrics indicate poor data quality at this position in the gnomAD database. This sequence change replaces glycine, which is neutral and non-polar, with arginine, which is basic and polar, at codon 946 of the CACNA1A protein (p.Gly946Arg).

Athena Diagnostics
Classification: Uncertain significance. Last evaluated: 2017-03-29. Review status: criteria provided, single submitter. Criteria: Athena Diagnostics Criteria. Collection method: clinical testing. Allele origin: germline.

NM_001127222.2(CACNA1A):c.2833G>A (p.Gly945Arg)

Gene: CACNA1A (calcium voltage-gated channel subunit alpha1 A; minus strand). Cytogenetic location: 19p13.13.
Variant type: single nucleotide variant.
Coding change: c.2833G>A on transcript NM_001127222.2 (MANE Select); coding-DNA position 2833, G replaced by A.
Protein change: p.Gly945Arg; replaces glycine 945 with arginine.
Molecular consequence: missense variant.
Genome position (GRCh38, 1-based): chr19:13,298,800, C>T on the plus strand (G>A on the coding strand, the complement: CACNA1A is on the minus strand). VCF-style: chr19-13298800-C-T. GRCh37 (hg19) VCF-style: chr19-13409614-C-T.
Other names: c.2845G>A, p.Gly949Arg (NM_000068.4, NM_023035.3); c.2836G>A, p.Gly946Arg (NM_001127221.2, NM_001174080.2); short protein forms G946R, G949R, G945R.
Identifiers: ClinVar variation 446912 (VCV000446912.13), dbSNP rs527593196, ClinGen allele CA9240462.